The following is an entry in ClinVar:

NM_005445.4(SMC3):c.1512C>T (p.Ala504=)

Gene: SMC3 (structural maintenance of chromosomes 3; plus strand). Cytogenetic location: 10q25.2.
Variant type: single nucleotide variant.
Coding change: c.1512C>T on transcript NM_005445.4 (MANE Select); coding-DNA position 1512, C replaced by T.
Protein change: p.Ala504=; no amino-acid change (alanine 504 retained).
Molecular consequence: synonymous variant.
Genome position (GRCh38, 1-based): chr10:110,590,414, C>T. VCF-style: chr10-110590414-C-T. GRCh37 (hg19) VCF-style: chr10-112350172-C-T.
Identifiers: ClinVar variation 3896692 (VCV003896692.2).

ClinVar aggregate classification (germline): Uncertain significance (1 of 4 stars; one submission).

Submission:

Women's Health and Genetics/Laboratory Corporation of America, LabCorp
Classification: Uncertain significance. Last evaluated: 2025-04-22. Review status: criteria provided, single submitter. Criteria: LabCorp Variant Classification Summary - May 2015. Collection method: clinical testing. Allele origin: germline.
Comment: Variant summary: SMC3 c.1512C>T (p.Ala504Ala) alters a conserved nucleotide located close to a canonical splice site and therefore could affect mRNA splicing, leading to a significantly altered protein sequence. Consensus agreement among computation tools predict no significant impact on normal splicing. However, these predictions have yet to be confirmed by functional studies. The variant was absent in 251110 control chromosomes. The available data on variant occurrences in the general population are insufficient to allow any conclusion about variant significance. To our knowledge, no occurrence of c.1512C>T in individuals affected with Cornelia De Lange Syndrome 3 and no experimental evidence demonstrating its impact on protein function have been reported. No submitters have cited clinical-significance assessments for this variant to ClinVar. Based on the evidence outlined above, the variant was classified as uncertain significance.